The following is an entry in ClinVar:

NM_021008.4(DEAF1):c.161C>G (p.Ser54Trp)

Gene: DEAF1 (DEAF1 transcription factor; minus strand). Cytogenetic location: 11p15.5.
Variant type: single nucleotide variant.
Coding change: c.161C>G on transcript NM_021008.4 (MANE Select); coding-DNA position 161, C replaced by G.
Protein change: p.Ser54Trp; replaces serine 54 with tryptophan.
Molecular consequence: missense variant. On other transcripts: intron variant (1).
Genome position (GRCh38, 1-based): chr11:694,887, G>C on the plus strand (C>G on the coding strand, the complement: DEAF1 is on the minus strand). VCF-style: chr11-694887-G-C. GRCh37 (hg19) VCF-style: chr11-694887-G-C.
Other names: c.161C>G, p.Ser54Trp (NM_001293634.2); c.-437-3289C>G (NM_001367390.1); short protein forms S54W.
Identifiers: ClinVar variation 2838240 (VCV002838240.3), dbSNP rs866005058, ClinGen allele CA378939628.

ClinVar aggregate classification (germline): Uncertain significance (1 of 4 stars; one submission).

Submission:

Labcorp Genetics (formerly Invitae), Labcorp
Classification: Uncertain significance. Last evaluated: 2026-01-19. Review status: criteria provided, single submitter. Criteria: Invitae Variant Classification Sherloc (09022015). Collection method: clinical testing. Allele origin: germline.
Comment: This sequence change replaces serine, which is neutral and polar, with tryptophan, which is neutral and slightly polar, at codon 54 of the DEAF1 protein (p.Ser54Trp). This variant is not present in population databases (gnomAD no frequency). This variant has not been reported in the literature in individuals affected with DEAF1-related conditions. ClinVar contains an entry for this variant (Variation ID: 2838240). Invitae Evidence Modeling of protein sequence and biophysical properties (such as structural, functional, and spatial information, amino acid conservation, physicochemical variation, residue mobility, and thermodynamic stability) indicates that this missense variant is not expected to disrupt DEAF1 protein function with a negative predictive value of 80%. In summary, the available evidence is currently insufficient to determine the role of this variant in disease. Therefore, it has been classified as a Variant of Uncertain Significance.